The following is an entry in ClinVar:

ClinVar aggregate classification (germline): Likely benign. Review status: criteria provided, multiple submitters, no conflicts (2 of 4 stars). 2 submissions from 2 submitters: Likely benign (2). Last evaluated 2026-01-19.

Conditions:
AIPL1-related disorder. Also called: AIPL1-related condition; AIPL1-related disorders. Identifiers: MedGen CN239169.
Leber congenital amaurosis 4 (LCA4). Identifiers: MedGen C1858386, MONDO:0011458, OMIM 604393.

Allele frequency attached by ClinVar (database versions not stated): gnomAD 0.00002; gnomAD exomes 0.00004 and 0.00008; TOPMed 0.00006; ExAC 0.00007.
gnomAD v4.1: 27 of 1,613,890 alleles (0.0017%); highest among the groups gnomAD compares: Admixed American, 0.045%; no homozygotes.

Submissions (2):

Labcorp Genetics (formerly Invitae), Labcorp
Classification: Likely benign for Leber congenital amaurosis 4. Last evaluated: 2026-01-19. Review status: criteria provided, single submitter. Criteria: Invitae Variant Classification Sherloc (09022015). Collection method: clinical testing. Allele origin: germline.

PreventionGenetics, part of Exact Sciences
Classification: Likely benign for AIPL1-related condition. Last evaluated: 2025-11-21. Review status: criteria provided, single submitter. Criteria: ACMG Guidelines, 2015. Collection method: clinical testing. Allele origin: germline.
Comment: This variant is classified as likely benign based on ACMG/AMP sequence variant interpretation guidelines (Richards et al. 2015 PMID: 25741868, with internal and published modifications).

NM_014336.5(AIPL1):c.673C>T (p.Leu225=)

Gene: AIPL1 (AIP like 1 HSP90 co-chaperone; minus strand). Cytogenetic location: 17p13.2.
Variant type: single nucleotide variant.
Coding change: c.673C>T on transcript NM_014336.5 (MANE Select); coding-DNA position 673, C replaced by T.
Protein change: p.Leu225=; no amino-acid change (leucine 225 retained).
Molecular consequence: synonymous variant. On other transcripts: intron variant (1).
Genome position (GRCh38, 1-based): chr17:6,426,726, G>A on the plus strand (C>T on the coding strand, the complement: AIPL1 is on the minus strand). VCF-style: chr17-6426726-G-A. GRCh37 (hg19) VCF-style: chr17-6330046-G-A.
Other names: c.484C>T, p.Leu162= (NM_001033054.3); c.493C>T, p.Leu165= (NM_001033055.3); c.637C>T, p.Leu213= (NM_001285399.3); c.607C>T, p.Leu203= (NM_001285400.3); c.556C>T, p.Leu186= (NM_001285402.2); c.649C>T, p.Leu217= (NM_001285403.4); c.643-42C>T (NM_001285401.3); c.673C>T (NM_014336.4).
Identifiers: ClinVar variation 1110162 (VCV001110162.10), dbSNP rs763372162, ClinGen allele CA8328420.